The following is an entry in ClinVar:

NM_001083961.2(WDR62):c.477G>A (p.Ala159=)

Gene: WDR62 (WD repeat domain 62; plus strand). Cytogenetic location: 19q13.12.
Variant type: single nucleotide variant.
Coding change: c.477G>A on transcript NM_001083961.2 (MANE Select); coding-DNA position 477, G replaced by A.
Protein change: p.Ala159=; no amino-acid change (alanine 159 retained).
Molecular consequence: synonymous variant.
Genome position (GRCh38, 1-based): chr19:36,066,343, G>A. VCF-style: chr19-36066343-G-A. GRCh37 (hg19) VCF-style: chr19-36557245-G-A.
Other names: c.477G>A, p.Ala159= (NM_173636.5).
Identifiers: ClinVar variation 282359 (VCV000282359.21), dbSNP rs146485488, ClinGen allele CA9395301.
Genomic context (GRCh38, chr19:36,066,343, plus strand): 5'-CTGGGATGTGGAGGAGAAGAATCAGGTGGCGGAGATGCTAGGCCACAAGTATGGTGTGGC[G>A]TGTGTGGCCTTCTCACCCAATATGAAGCACATCGTGTCCATGGGCTACCAACATGACATG-3'
Protein context (NP_001077430.1, residues 149-169): AEMLGHKYGV[Ala159=]CVAFSPNMKH

ClinVar aggregate classification (germline): Conflicting classifications of pathogenicity. Review status: criteria provided, conflicting classifications (1 of 4 stars). 5 submissions from 5 submitters: Uncertain significance (1); Benign (1); Likely benign (2). 1 of the submissions does not count toward it. Last evaluated 2025-11-29.

Conditions:
WDR62-related disorder. Also called: WDR62-related condition.
Inborn genetic diseases. Identifiers: MedGen C0950123, MeSH D030342.

Allele frequency attached by ClinVar (database versions not stated): gnomAD 0.00051; TOPMed 0.00070; 1000 Genomes Project 0.00080; 1000 Genomes Project 30x 0.00094; ESP Exome Variant Server 0.00100.
gnomAD v4.1: 257 of 1,614,122 alleles (0.016%); highest among the groups gnomAD compares: African/African-American, 0.22%; 1 homozygote.

Submissions (5):

Labcorp Genetics (formerly Invitae), Labcorp
Classification: Benign. Last evaluated: 2025-11-29. Review status: criteria provided, single submitter. Criteria: Invitae Variant Classification Sherloc (09022015). Collection method: clinical testing. Allele origin: germline.

Ambry Genetics
Classification: Likely benign for Inborn genetic diseases. Last evaluated: 2024-04-23. Review status: criteria provided, single submitter. Criteria: Ambry Variant Classification Scheme 2023. Collection method: clinical testing. Allele origin: germline.

GeneDx
Classification: Likely benign. Last evaluated: 2020-04-10. Review status: criteria provided, single submitter. Criteria: GeneDx Variant Classification Process June 2021. Collection method: clinical testing. Allele origin: germline. Affected: yes.

Eurofins Ntd Llc (ga)
Classification: Uncertain significance. Last evaluated: 2017-09-15. Review status: criteria provided, single submitter. Criteria: EGL Classification Definitions 2015. Collection method: clinical testing. Allele origin: germline. Observed: 2 variant alleles, 2 heterozygotes.

PreventionGenetics, part of Exact Sciences
Classification: Likely benign for WDR62-related condition. Last evaluated: 2019-11-26. Review status: no assertion criteria provided. Collection method: clinical testing. Allele origin: germline. Not counted in ClinVar's aggregate classification.
Comment: This variant is classified as likely benign based on ACMG/AMP sequence variant interpretation guidelines (Richards et al. 2015 PMID: 25741868, with internal and published modifications).